The following is an entry in ClinVar:

NM_020338.4(ZMIZ1):c.2973G>A (p.Arg991=)

Gene: ZMIZ1 (zinc finger MIZ-type containing 1; plus strand). Cytogenetic location: 10q22.3.
Variant type: single nucleotide variant.
Coding change: c.2973G>A on transcript NM_020338.4 (MANE Select); coding-DNA position 2973, G replaced by A.
Protein change: p.Arg991=; no amino-acid change (arginine 991 retained).
Molecular consequence: synonymous variant.
Genome position (GRCh38, 1-based): chr10:79,311,061, G>A. VCF-style: chr10-79311061-G-A. GRCh37 (hg19) VCF-style: chr10-81070818-G-A.
Identifiers: ClinVar variation 2640639 (VCV002640639.24), dbSNP rs951858370, ClinGen allele CA210224825.

ClinVar aggregate classification (germline): Likely benign (1 of 4 stars; one submission).

Allele frequency attached by ClinVar (database versions not stated): gnomAD exomes below 0.00001; gnomAD 0.00001; TOPMed 0.00001.
gnomAD v4.1: 3 of 1,613,234 alleles (0.00019%); highest among the groups gnomAD compares: Non-Finnish European, 0.00025%; no homozygotes.

Submission:

CeGaT Center for Human Genetics Tuebingen
Classification: Likely benign. Last evaluated: 2022-11-01. Review status: criteria provided, single submitter. Criteria: CeGaT Center For Human Genetics Tuebingen Variant Classification Criteria Version 2. Collection method: clinical testing. Allele origin: germline. Affected: yes. Observed: 1 variant allele.
Comment: ZMIZ1: BP4, BP7